The following is an entry in ClinVar:

NM_020911.2(PLXNA4):c.5032C>T (p.Leu1678=)

Gene: PLXNA4 (plexin A4; minus strand). Cytogenetic location: 7q32.3.
Variant type: single nucleotide variant.
Coding change: c.5032C>T on transcript NM_020911.2 (MANE Select); coding-DNA position 5032, C replaced by T.
Protein change: p.Leu1678=; no amino-acid change (leucine 1678 retained).
Molecular consequence: synonymous variant.
Genome position (GRCh38, 1-based): chr7:132,146,533, G>A on the plus strand (C>T on the coding strand, the complement: PLXNA4 is on the minus strand). VCF-style: chr7-132146533-G-A. GRCh37 (hg19) VCF-style: chr7-131831292-G-A.
Other names: c.5032C>T, p.Leu1678= (NM_001393897.1).
Identifiers: ClinVar variation 4990763 (VCV004990763.1).

ClinVar aggregate classification (germline): Likely benign (1 of 4 stars; one submission).

Conditions:
PLXNA4-related disorder. Also called: PLXNA4-related condition.

gnomAD v4.1: 55 of 1,614,132 alleles (0.0034%); highest among the groups gnomAD compares: East Asian, 0.098%; no homozygotes.

Submission:

PreventionGenetics, part of Exact Sciences
Classification: Likely benign for PLXNA4-related condition. Last evaluated: 2026-08-20. Review status: criteria provided, single submitter. Criteria: ACMG Guidelines, 2015. Collection method: clinical testing. Allele origin: germline.
Comment: This variant is classified as likely benign based on ACMG/AMP sequence variant interpretation guidelines (Richards et al. 2015 PMID: 25741868, with internal and published modifications).